The following is an entry in ClinVar:

ClinVar aggregate classification (germline): Uncertain significance. Review status: criteria provided, multiple submitters, no conflicts (2 of 4 stars). 2 submissions from 2 submitters: Uncertain significance (2). Last evaluated 2024-05-26.

Conditions:
Inborn genetic diseases. Identifiers: MedGen C0950123, MeSH D030342.

Allele frequency attached by ClinVar (database versions not stated): TOPMed below 0.00001; ExAC 0.00001; gnomAD 0.00001; gnomAD exomes 0.00001.
gnomAD v4.1: 4 of 1,613,478 alleles (0.00025%); highest among the groups gnomAD compares: Admixed American, 0.005%; no homozygotes.

Submissions (2):

Ambry Genetics
Classification: Uncertain significance for Inborn genetic diseases. Last evaluated: 2024-05-26. Review status: criteria provided, single submitter. Criteria: Ambry Variant Classification Scheme 2023. Collection method: clinical testing. Allele origin: germline.

Labcorp Genetics (formerly Invitae), Labcorp
Classification: Uncertain significance. Last evaluated: 2022-05-20. Review status: criteria provided, single submitter. Criteria: Invitae Variant Classification Sherloc (09022015). Collection method: clinical testing. Allele origin: germline.
Comment: This sequence change replaces isoleucine, which is neutral and non-polar, with valine, which is neutral and non-polar, at codon 300 of the B4GALT1 protein (p.Ile300Val). This variant is present in population databases (rs764805291, gnomAD 0.006%). This variant has not been reported in the literature in individuals affected with B4GALT1-related conditions. Algorithms developed to predict the effect of missense changes on protein structure and function are either unavailable or do not agree on the potential impact of this missense change (SIFT: "Tolerated"; PolyPhen-2: "Probably Damaging"; Align-GVGD: "Class C0"). In summary, the available evidence is currently insufficient to determine the role of this variant in disease. Therefore, it has been classified as a Variant of Uncertain Significance.

NM_001497.4(B4GALT1):c.898A>G (p.Ile300Val)

Gene: B4GALT1 (beta-1,4-galactosyltransferase 1; minus strand). Cytogenetic location: 9p21.1.
Variant type: single nucleotide variant.
Coding change: c.898A>G on transcript NM_001497.4 (MANE Select); coding-DNA position 898, A replaced by G.
Protein change: p.Ile300Val; replaces isoleucine 300 with valine.
Molecular consequence: missense variant. On other transcripts: intron variant (2).
Genome position (GRCh38, 1-based): chr9:33,116,052, T>C on the plus strand (A>G on the coding strand, the complement: B4GALT1 is on the minus strand). VCF-style: chr9-33116052-T-C. GRCh37 (hg19) VCF-style: chr9-33116050-T-C.
Other names: c.859A>G, p.Ile287Val (NM_001378495.1); c.649-11271A>G (NM_001378497.1); c.837-2174A>G (NM_001378496.1); c.898A>G (NM_001497.3); short protein forms I287V, I300V.
Identifiers: ClinVar variation 2142657 (VCV002142657.5), dbSNP rs764805291, ClinGen allele CA5023662.